The following is an entry in ClinVar:

ClinVar aggregate classification (germline): Uncertain significance (1 of 4 stars; one submission).

Submission:

GeneDx
Classification: Uncertain significance. Last evaluated: 2022-10-06. Review status: criteria provided, single submitter. Criteria: GeneDx Variant Classification Process June 2021. Collection method: clinical testing. Allele origin: germline. Affected: yes.
Comment: Not observed at significant frequency in large population cohorts (gnomAD); In silico analysis supports that this missense variant has a deleterious effect on protein structure/function; Has not been previously published as pathogenic or benign to our knowledge

NM_006231.4(POLE):c.3481G>C (p.Val1161Leu)

Gene: POLE (DNA polymerase epsilon, catalytic subunit; minus strand). Cytogenetic location: 12q24.33.
Variant type: single nucleotide variant.
Coding change: c.3481G>C on transcript NM_006231.4 (MANE Select); coding-DNA position 3481, G replaced by C.
Protein change: p.Val1161Leu; replaces valine 1161 with leucine.
Molecular consequence: missense variant.
Genome position (GRCh38, 1-based): chr12:132,657,237, C>G on the plus strand (G>C on the coding strand, the complement: POLE is on the minus strand). VCF-style: chr12-132657237-C-G. GRCh37 (hg19) VCF-style: chr12-133233823-C-G.
Other names: short protein forms V1161L.
Identifiers: ClinVar variation 2498059 (VCV002498059.1), dbSNP rs1555225160, ClinGen allele CA387388744.